The following is an entry in ClinVar:

ClinVar aggregate classification (germline): Uncertain significance. Review status: criteria provided, multiple submitters, no conflicts (2 of 4 stars). 3 submissions from 3 submitters: Uncertain significance (3). Last evaluated 2025-06-15.

Conditions:
Epidermolysis bullosa simplex 5B, with muscular dystrophy (EBS5B). Also called: Epidermolysis bullosa simplex with muscular dystrophy; EPIDERMOLYSIS BULLOSA SIMPLEX AND LIMB-GIRDLE MUSCULAR DYSTROPHY. Identifiers: Orphanet 257, MedGen C2931072, MONDO:0009181, OMIM 226670.
Epidermolysis bullosa simplex, Ogna type (EBS5A). Also called: Pidermolysis bullosa simplex 5A, Ogna type; EPIDERMOLYSIS BULLOSA SIMPLEX 5A, OGNA TYPE. Identifiers: Orphanet 79401, MedGen C0432317, MONDO:0007555, OMIM 131950.
Epidermolysis bullosa simplex 5C, with pyloric atresia (EBS5C). Also called: PLEC1-Related Epidermolysis Bullosa with Pyloric Atresia; PLEC-Related Epidermolysis Bullosa with Pyloric Atresia; Epidermolysis bullosa simplex with pyloric atresia. Identifiers: Orphanet 158684, MedGen C2677349, MONDO:0012807, OMIM 612138.
Epidermolysis bullosa simplex with nail dystrophy (EBS5D). Identifiers: MedGen C4225309, MONDO:0014661, OMIM 616487.
Autosomal recessive limb-girdle muscular dystrophy type 2Q (LGMDR17). Also called: MUSCULAR DYSTROPHY, LIMB-GIRDLE, AUTOSOMAL RECESSIVE 17. Identifiers: Orphanet 254361, MedGen C3150989, MONDO:0013390, OMIM 613723.
Inborn genetic diseases. Identifiers: MedGen C0950123, MeSH D030342.

Allele frequency attached by ClinVar (database versions not stated): ExAC 0.00001; gnomAD 0.00001; gnomAD exomes 0.00001 and 0.00002; TOPMed 0.00001; ESP Exome Variant Server 0.00010.
gnomAD v4.1: 20 of 1,596,304 alleles (0.0013%); highest among the groups gnomAD compares: Non-Finnish European, 0.0015%; no homozygotes.

Submissions (3):

Labcorp Genetics (formerly Invitae), Labcorp
Classification: Uncertain significance for Autosomal recessive limb-girdle muscular dystrophy type 2Q; Epidermolysis bullosa simplex, Ogna type; Epidermolysis bullosa simplex with nail dystrophy; Epidermolysis bullosa simplex 5C, with pyloric atresia; Epidermolysis bullosa simplex 5B, with muscular dystrophy. Last evaluated: 2025-06-15. Review status: criteria provided, single submitter. Criteria: Invitae Variant Classification Sherloc (09022015). Collection method: clinical testing. Allele origin: germline.
Comment: This sequence change replaces arginine, which is basic and polar, with glutamine, which is neutral and polar, at codon 1894 of the PLEC protein (p.Arg1894Gln). This variant is present in population databases (rs368361284, gnomAD 0.004%). This variant has not been reported in the literature in individuals affected with PLEC-related conditions. ClinVar contains an entry for this variant (Variation ID: 1346785). Experimental studies and prediction algorithms are not available or were not evaluated, and the functional significance of this variant is currently unknown. In summary, the available evidence is currently insufficient to determine the role of this variant in disease. Therefore, it has been classified as a Variant of Uncertain Significance.

Ambry Genetics
Classification: Uncertain significance for Inborn genetic diseases. Last evaluated: 2025-05-18. Review status: criteria provided, single submitter. Criteria: Ambry Variant Classification Scheme 2023. Collection method: clinical testing. Allele origin: germline.

Revvity Omics, Revvity
Classification: Uncertain significance. Last evaluated: 2025-01-30. Review status: criteria provided, single submitter. Criteria: ACMG Guidelines, 2015. Collection method: clinical testing. Allele origin: germline.

NM_201384.3(PLEC):c.5600G>A (p.Arg1867Gln)

Gene: PLEC (plectin; minus strand). Cytogenetic location: 8q24.3.
Variant type: single nucleotide variant.
Coding change: c.5600G>A on transcript NM_201384.3 (MANE Select); coding-DNA position 5600, G replaced by A.
Protein change: p.Arg1867Gln; replaces arginine 1867 with glutamine.
Molecular consequence: missense variant.
Genome position (GRCh38, 1-based): chr8:143,924,329, C>T on the plus strand (G>A on the coding strand, the complement: PLEC is on the minus strand). VCF-style: chr8-143924329-C-T. GRCh37 (hg19) VCF-style: chr8-144998497-C-T.
Other names: c.5681G>A (NM_000445.3); c.5681G>A, p.Arg1894Gln (NM_000445.5); c.5558G>A, p.Arg1853Gln (NM_201378.4); c.5534G>A, p.Arg1845Gln (NM_201379.3); c.6011G>A, p.Arg2004Gln (NM_201380.4); c.5504G>A, p.Arg1835Gln (NM_201381.3); c.5600G>A, p.Arg1867Gln (NM_201382.4); c.5612G>A, p.Arg1871Gln (NM_201383.3); short protein forms R1867Q, R2004Q, R1835Q, R1853Q, R1894Q, R1845Q, R1871Q.
Identifiers: ClinVar variation 1346785 (VCV001346785.10), dbSNP rs368361284, ClinGen allele CA4926307.
Genomic context (GRCh38, chr8:143,924,329, plus strand): 5'-TGTTGCGCGGCCTGCTCCTCCAGCCGCCGCCGCTGGAAGGCCTCGTCCTCCGCCAGCCGC[C>T]GCAGGCGCTCGTTCTCCGCCTCCTTCTCCTTGAGCGCGATCTCCGCCTCCGTCTTGAGCC-3'
Protein context (NP_958786.1, residues 1857-1877): KEKEAENERL[Arg1867Gln]RLAEDEAFQR